The following is an entry in ClinVar:

NM_001267550.2(TTN):c.88837A>T (p.Lys29613Ter)

Genes: TTN (titin; minus strand), TTN-AS1 (TTN antisense RNA 1; plus strand). Cytogenetic location: 2q31.2.
Variant type: single nucleotide variant.
Coding change: c.88837A>T on transcript NM_001267550.2 (MANE Select); coding-DNA position 88837, A replaced by T.
Protein change: p.Lys29613Ter; replaces lysine 29613 with a stop codon.
Molecular consequence: nonsense.
Genome position (GRCh38, 1-based): chr2:178,554,510, T>A on the plus strand (A>T on the coding strand, the complement: TTN is on the minus strand). VCF-style: chr2-178554510-T-A. GRCh37 (hg19) VCF-style: chr2-179419237-T-A.
Other names: p.K27972*:AAA>TAA; c.83914A>T, p.Lys27972Ter (NM_001256850.1); c.61642A>T, p.Lys20548Ter (NM_003319.4); c.81133A>T, p.Lys27045Ter (NM_133378.4); c.62017A>T, p.Lys20673Ter (NM_133432.3); c.62218A>T, p.Lys20740Ter (NM_133437.4); short protein forms K27972*, K29613*, K20548*, K20740*, K27045*, K20673*.
Identifiers: ClinVar variation 202423 (VCV000202423.22), dbSNP rs794729300, ClinGen allele CA309364.

ClinVar aggregate classification (germline): Pathogenic/Likely pathogenic. Review status: criteria provided, multiple submitters, no conflicts (2 of 4 stars). 6 submissions from 6 submitters: Pathogenic (2); Likely pathogenic (4). Last evaluated 2026-08-21.

Conditions:
Dilated cardiomyopathy 1G (CMD1G). Identifiers: Orphanet 154, MedGen C1858763, MONDO:0011400, OMIM 604145.
Autosomal recessive limb-girdle muscular dystrophy type 2J (LGMDR10). Also called: MUSCULAR DYSTROPHY, LIMB-GIRDLE, AUTOSOMAL RECESSIVE 10; Limb-girdle muscular dystrophy, type 2J. Identifiers: Orphanet 140922, MedGen C1837342, MONDO:0012127, OMIM 608807.
TTN-related disorder. Also called: TTN-related disorders; TTN-related condition; TTN-related disease.
Cardiovascular phenotype. Identifiers: MedGen CN230736.

Allele frequency attached by ClinVar (database versions not stated): gnomAD exomes below 0.00001; TOPMed below 0.00001; gnomAD 0.00001.
gnomAD v4.1: 5 of 1,613,334 alleles (0.00031%); highest among the groups gnomAD compares: African/African-American, 0.0013%; no homozygotes.

Submissions (6):

GeneDx
Classification: Pathogenic. Last evaluated: 2026-08-21. Review status: criteria provided, single submitter. Criteria: GeneDx Variant Classification Process June 2021. Collection method: clinical testing. Allele origin: germline.
Comment: Nonsense variant predicted to result in protein truncation or nonsense mediated decay in a gene for which loss of function is a known mechanism of disease; Located in the A-band, a region of TTN for which truncating variants are significantly associated with autosomal dominant cardiomyopathy and also with autosomal recessive skeletal myopathies (PMID: 22335739, 32778822); Not observed at significant frequency in large population cohorts (gnomAD); Has not been previously published as pathogenic or benign in association with a TTN-related disorder to our knowledge; This variant is associated with the following publications: (PMID: 23975875, 25589632, 22335739, 32778822, 34135346, 40088892, 24575448)

Victorian Clinical Genetics Services, Murdoch Childrens Research Institute
Classification: Likely pathogenic for Dilated cardiomyopathy 1G. Last evaluated: 2026-01-13. Review status: criteria provided, single submitter. Criteria: ACMG Guidelines, 2015. Collection method: clinical testing. Allele origin: germline. Affected: yes.
Comment: This variant is classified as Likely pathogenic. Evidence in support of pathogenic classification: Variant is predicted to cause nonsense-mediated decay (NMD) and loss of protein (premature termination codon is located at least 54 nucleotides upstream of the final exon-exon junction); Variant is present in gnomAD <0.01 (v4: 5 heterozygote(s), 0 homozygote(s)); This variant has moderate previous evidence of pathogenicity in unrelated individuals. This variant has been classified as likely pathogenic/pathogenic by diagnostic laboratories in ClinVar; Other NMD-predicted variants comparable to the one identified in this case have strong previous evidence for pathogenicity (ClinVar). Additional information: This variant is heterozygous; This gene is associated with both recessive and dominant disease (OMIM); No published segregation evidence has been identified for this variant; No published functional evidence has been identified for this variant; Variant is located in the annotated A-band and the exon has a PSI score of 100% (PMID: 25589632); Loss of function is a known mechanism of disease in this gene. In addition, dominant negative is also a suggested mechanism (PMID: 25589632); The condition associated with this gene has incomplete penetrance. Variants in this gene that result in a premature termination codon (PTC) are known to have reduced penetrance in DCM (PMID: 25589632).

Ambry Genetics
Classification: Likely pathogenic for Cardiovascular phenotype. Last evaluated: 2025-04-14. Review status: criteria provided, single submitter. Criteria: Ambry Variant Classification Scheme 2023. Collection method: clinical testing. Allele origin: germline.
Comment: The p.K20548* variant (also known as c.61642A>T), located in coding exon 159 of the TTN gene, results from an A to T substitution at nucleotide position 61642. This changes the amino acid from a lysine to a stop codon within coding exon 159. This exon is located in the A-band region of the N2-B isoform of the titin protein and is constitutively expressed in TTN transcripts (percent spliced in or PSI 100%). This variant is considered to be rare based on population cohorts in the Genome Aggregation Database (gnomAD). This variant is expected to result in loss of function by premature protein truncation or nonsense-mediated mRNA decay. While truncating variants in TTN are present in 1-3% of the general population, truncating variants in the A-band are the most common cause of dilated cardiomyopathy (Herman DS et al. N. Engl. J. Med., 2012 Feb;366:619-28; Roberts AM et al. Sci Transl Med, 2015 Jan;7:270ra6). TTN truncating variants encoded in constitutive exons (PSI >90%) have been found to be significantly associated with DCM regardless of their position in titin (Schafer S et al. Nat. Genet., 2017 01;49:46-53; Akhtar MM et al. Circ Heart Fail, 2020 Oct;13:e006832; Massier M et al. Clin Genet, 2025 Jan). Based on the majority of available evidence to date, this variant is likely to be pathogenic.

Labcorp Genetics (formerly Invitae), Labcorp
Classification: Likely pathogenic for Dilated cardiomyopathy 1G; Autosomal recessive limb-girdle muscular dystrophy type 2J. Last evaluated: 2024-12-12. Review status: criteria provided, single submitter. Criteria: Invitae Variant Classification Sherloc (09022015). Collection method: clinical testing. Allele origin: germline.
Comment: This sequence change creates a premature translational stop signal (p.Lys29613*) in the TTN gene. While this is not anticipated to result in nonsense mediated decay, it is expected to create a truncated TTN protein. This variant is present in population databases (rs794729300, gnomAD 0.01%). This variant has not been reported in the literature in individuals affected with TTN-related conditions. ClinVar contains an entry for this variant (Variation ID: 202423). This variant is located in the A band of TTN (PMID: 25589632). Truncating variants in this region are significantly overrepresented in patients affected with dilated cardiomyopathy (PMID: 25589632). Truncating variants in this region have also been reported in individuals affected with autosomal recessive centronuclear myopathy (PMID: 23975875). In summary, the currently available evidence indicates that the variant is pathogenic, but additional data are needed to prove that conclusively. Therefore, this variant has been classified as Likely Pathogenic.

Blueprint Genetics
Classification: Pathogenic for TTN-related disorders. Last evaluated: 2024-03-12. Review status: criteria provided, single submitter. Criteria: ACMG Guidelines, 2015. Collection method: clinical testing. Allele origin: germline. Affected: yes. Observed: 3 variant alleles.

Genetics and Molecular Pathology, SA Pathology
Classification: Likely pathogenic for Dilated cardiomyopathy 1G. Last evaluated: 2022-02-07. Review status: criteria provided, single submitter. Criteria: ACMG Guidelines, 2015. Collection method: clinical testing. Allele origin: germline. Inheritance: Autosomal dominant inheritance. Affected: yes.
Comment: This variant is located in the TTN A-band which is a functional domain with a PSI of 100 (PVS1_Strong)

Literature cited by the submitters: PubMed 25589632 (cited by Victorian Clinical Genetics Services, Murdoch Childrens Research Institute and Labcorp Genetics (formerly Invitae), Labcorp); PubMed 23975875 (cited by Labcorp Genetics (formerly Invitae), Labcorp).